The following is an entry in ClinVar:

ClinVar aggregate classification (germline): Likely pathogenic (1 of 4 stars; one submission).

Conditions:
Myofibrillar myopathy 10. Identifiers: MedGen C5436656, MONDO:0033620, OMIM 619040.

gnomAD v4.1: 9 of 1,613,972 alleles (0.00056%); highest among the groups gnomAD compares: East Asian, 0.0022%; no homozygotes.

Submission:

First Genomix Gene Laboratory, Genetic Diagnostics Department
Classification: Likely pathogenic for Myofibrillar myopathy 10. Last evaluated: 2025-05-22. Review status: criteria provided, single submitter. Criteria: ACMG Guidelines, 2015. Collection method: clinical testing. Allele origin: germline. Inheritance: Autosomal recessive inheritance. Affected: no. Observed: 1 variant allele.

NM_021738.3(SVIL):c.2065C>T (p.Arg689Ter)

Gene: SVIL (supervillin; minus strand). Cytogenetic location: 10p11.23.
Variant type: single nucleotide variant.
Coding change: c.2065C>T on transcript NM_021738.3 (MANE Select); coding-DNA position 2065, C replaced by T.
Protein change: p.Arg689Ter; replaces arginine 689 with a stop codon.
Molecular consequence: nonsense.
Genome position (GRCh38, 1-based): chr10:29,530,648, G>A on the plus strand (C>T on the coding strand, the complement: SVIL is on the minus strand). VCF-style: chr10-29530648-G-A. GRCh37 (hg19) VCF-style: chr10-29819577-G-A.
Other names: c.1135C>T, p.Arg379Ter (NM_001323599.2); c.883C>T, p.Arg295Ter (NM_001323600.1, NM_003174.3); short protein forms R295*, R379*, R689*.
Identifiers: ClinVar variation 4849290 (VCV004849290.1).